The following is an entry in ClinVar:

ClinVar aggregate classification (germline): Uncertain significance. Review status: criteria provided, multiple submitters, no conflicts (2 of 4 stars). 2 submissions from 2 submitters: Uncertain significance (2). Last evaluated 2020-04-30.

Conditions:
Neurodevelopmental disorder with hypotonia and variable intellectual and behavioral abnormalities. Identifiers: MedGen C5231423, MONDO:0032829, OMIM 618603.
Inborn genetic diseases. Identifiers: MedGen C0950123, MeSH D030342.

Allele frequency attached by ClinVar (database versions not stated): gnomAD exomes below 0.00001; ExAC 0.00001.

Submissions (2):

Ambry Genetics
Classification: Uncertain significance for Inborn genetic diseases. Last evaluated: 2020-04-30. Review status: criteria provided, single submitter. Criteria: Ambry Variant Classification Scheme 2023. Collection method: clinical testing. Allele origin: germline.
Comment: The alteration results in an amino acid change:_x000D_ _x000D_ The c.3413C>T (p.S1138L) alteration is located in coding exon 20 of the POLR2A gene. This alteration results from a C to T substitution at nucleotide position 3413, causing the serine (S) at amino acid position 1138 to be replaced by a leucine (L). The alteration is rare in population databases: _x000D_ _x000D_ Based on data from the Genome Aggregation Database (gnomAD), the c.3413C>T alteration was observed in 0.0004% (1/243,954) of total alleles studied. The altered amino acid is conserved throughout evolution:_x000D_ _x000D_ The p.S1138 amino acid is conserved in available vertebrate species. The alteration is predicted deleterious by in silico modeling:_x000D_ _x000D_ The p.S1138L alteration is predicted to be deleterious by in silico analysis. Based on insufficient or conflicting evidence, the clinical significance of this alteration remains unclear.

Juno Genomics, Hangzhou Juno Genomics, Inc
Classification: Uncertain significance for Neurodevelopmental disorder with hypotonia and variable intellectual and behavioral abnormalities. Review status: criteria provided, single submitter. Criteria: ACMG Guidelines, 2015. Collection method: clinical testing. Allele origin: germline.
Comment: Absent from controls (or at extremely low frequency if recessive) in Genome Aggregation Database.;Missense variant in a gene that has a low rate of benign missense variation.;Multiple lines of computational evidence support a deleterious effect on the gene or gene product.

NM_000937.5(POLR2A):c.3413C>T (p.Ser1138Leu)

Gene: POLR2A (RNA polymerase II subunit A; plus strand). Cytogenetic location: 17p13.1.
Variant type: single nucleotide variant.
Coding change: c.3413C>T on transcript NM_000937.5 (MANE Select); coding-DNA position 3413, C replaced by T.
Protein change: p.Ser1138Leu; replaces serine 1138 with leucine.
Molecular consequence: missense variant.
Genome position (GRCh38, 1-based): chr17:7,508,423, C>T. VCF-style: chr17-7508423-C-T. GRCh37 (hg19) VCF-style: chr17-7411742-C-T.
Other names: short protein forms S1138L.
Identifiers: ClinVar variation 985637 (VCV000985637.6), dbSNP rs771125580, ClinGen allele CA8349962.